The following is an entry in ClinVar:

ClinVar aggregate classification (germline): Likely benign. Review status: criteria provided, multiple submitters, no conflicts (2 of 4 stars). 7 submissions from 7 submitters: Likely benign (4). 3 of the submissions do not count toward it. Last evaluated 2026-06-01.

Conditions:
KIAA0586-related disorder. Also called: KIAA0586- Related disorders; KIAA0586-related condition.
Joubert syndrome 23 (JBTS23). Identifiers: Orphanet 475, MedGen C4084822, MONDO:0014664, OMIM 616490.
Short-rib thoracic dysplasia 14 with polydactyly (SRTD14). Identifiers: Orphanet 397715, MedGen C4225286, MONDO:0014688, OMIM 616546.

Allele frequency attached by ClinVar (database versions not stated): ESP Exome Variant Server 0.00159; gnomAD 0.00196; TOPMed 0.00204; 1000 Genomes Project 0.00260; 1000 Genomes Project 30x 0.00265.
gnomAD v4.1: 1,175 of 1,613,432 alleles (0.073%); highest among the groups gnomAD compares: African/African-American, 0.65%; 6 homozygotes.

Submissions (7):

CeGaT Center for Human Genetics Tuebingen
Classification: Likely benign. Last evaluated: 2026-06-01. Review status: criteria provided, single submitter. Criteria: CeGaT Center For Human Genetics Tuebingen Variant Classification Criteria Version 2. Collection method: clinical testing. Allele origin: germline. Affected: yes. Observed: 2 variant alleles.
Comment: KIAA0586: BP4

Labcorp Genetics (formerly Invitae), Labcorp
Classification: Likely benign for Joubert syndrome 23; Short-rib thoracic dysplasia 14 with polydactyly. Last evaluated: 2026-01-26. Review status: criteria provided, single submitter. Criteria: Invitae Variant Classification Sherloc (09022015). Collection method: clinical testing. Allele origin: germline.

Blueprint Genetics
Classification: Likely benign. Last evaluated: 2024-10-22. Review status: criteria provided, single submitter. Criteria: ACMG Guidelines, 2015. Collection method: clinical testing. Allele origin: germline.

GeneDx
Classification: Likely benign. Last evaluated: 2024-10-12. Review status: criteria provided, single submitter. Criteria: GeneDx Variant Classification Process June 2021. Collection method: clinical testing. Allele origin: germline. Affected: yes.
Comment: See Variant Classification Assertion Criteria.

PreventionGenetics, part of Exact Sciences
Classification: Likely benign for KIAA0586-related condition. Last evaluated: 2020-12-04. Review status: no assertion criteria provided. Collection method: clinical testing. Allele origin: germline. Not counted in ClinVar's aggregate classification.
Comment: This variant is classified as likely benign based on ACMG/AMP sequence variant interpretation guidelines (Richards et al. 2015 PMID: 25741868, with internal and published modifications).

Clinical Genetics DNA and cytogenetics Diagnostics Lab, Erasmus MC, Erasmus Medical Center
Classification: Likely benign. Review status: no assertion criteria provided. Collection method: clinical testing. Allele origin: germline. Affected: yes. Study: VKGL Data-share Consensus. Not counted in ClinVar's aggregate classification.

Genome Diagnostics Laboratory, University Medical Center Utrecht
Classification: Likely benign. Review status: no assertion criteria provided. Collection method: clinical testing. Allele origin: germline. Affected: yes. Study: VKGL Data-share Consensus. Not counted in ClinVar's aggregate classification.

NM_001329943.3(KIAA0586):c.4519G>A (p.Ala1507Thr)

Gene: KIAA0586 (KIAA0586; plus strand). Cytogenetic location: 14q23.1.
Variant type: single nucleotide variant.
Coding change: c.4519G>A on transcript NM_001329943.3 (MANE Select); coding-DNA position 4519, G replaced by A.
Protein change: p.Ala1507Thr; replaces alanine 1507 with threonine.
Molecular consequence: missense variant.
Genome position (GRCh38, 1-based): chr14:58,547,804, G>A. VCF-style: chr14-58547804-G-A. GRCh37 (hg19) VCF-style: chr14-59014522-G-A.
Other names: c.4763G>A, p.Arg1588His (NM_001244189.2); c.4474G>A, p.Ala1492Thr (NM_001244190.2); c.4264G>A, p.Ala1422Thr (NM_001244191.2, NM_001364701.2); c.4387G>A, p.Ala1463Thr (NM_001244192.2, NM_001329947.2); c.4604G>A, p.Arg1535His (NM_001329944.2); c.4198G>A, p.Ala1400Thr (NM_001329945.2); c.4453G>A, p.Ala1485Thr (NM_001329946.2); c.4291G>A, p.Ala1431Thr (NM_014749.5); short protein forms A1422T, A1431T, A1507T, A1400T, A1485T, A1492T, R1588H, A1463T.
Identifiers: ClinVar variation 766846 (VCV000766846.60), dbSNP rs140026883, ClinGen allele CA7206440.
Genomic context (GRCh38, chr14:58,547,804, plus strand): 5'-ACGCATGTTGAGCTGAATGAGCTTCTCCTTTGTGCAGGTGGGAAAGCAGTGCCACTCTCC[G>A]CTTCACAGATGCCCCCTGCCAAGATGTCAGTGATGCTGCCGTCAGTGAACCTCGAGGACT-3'
Protein context (NP_001316872.1, residues 1497-1517): FSGGKAVPLS[Ala1507Thr]SQMPPAKMSV